The following is an entry in ClinVar:

ClinVar aggregate classification (germline): Pathogenic. Review status: criteria provided, multiple submitters, no conflicts (2 of 4 stars). 6 submissions from 6 submitters: Pathogenic (6). Last evaluated 2025-05-26.

Conditions:
Oculopharyngeal muscular dystrophy 1 (OPMD1). Identifiers: MedGen CN376802, MONDO:0958176, OMIM 164300.
PABPN1-related disorders.
Oculopharyngeal muscular dystrophy. Identifiers: Orphanet 270, MedGen C0270952, MONDO:0008116.

Submissions (6):

Revvity Omics, Revvity
Classification: Pathogenic for Oculopharyngeal muscular dystrophy 1. Last evaluated: 2025-05-26. Review status: criteria provided, single submitter. Criteria: ACMG Guidelines, 2015. Collection method: clinical testing. Allele origin: germline.

Blueprint Genetics
Classification: Pathogenic for PABPN1-related disorders. Last evaluated: 2024-11-25. Review status: criteria provided, single submitter. Criteria: ACMG Guidelines, 2015. Collection method: clinical testing. Allele origin: germline. Affected: yes. Observed: 2 variant alleles.

Institute of Medical Genetics and Applied Genomics, University Hospital Tübingen
Classification: Pathogenic for Oculopharyngeal muscular dystrophy 1. Last evaluated: 2024-09-20. Review status: criteria provided, single submitter. Criteria: ACMG Guidelines, 2015. Collection method: clinical testing. Allele origin: germline. Inheritance: Autosomal dominant inheritance. Affected: yes.

Institute of Human Genetics Munich, TUM University Hospital
Classification: Pathogenic for Oculopharyngeal muscular dystrophy 1. Last evaluated: 2019-06-07. Review status: criteria provided, single submitter. Criteria: Classification criteria August 2017. Collection method: clinical testing. Allele origin: germline. Inheritance: Autosomal dominant inheritance. Affected: yes. Observed: 1 heterozygote.

Mendelics
Classification: Pathogenic for Oculopharyngeal muscular dystrophy 1. Last evaluated: 2019-05-28. Review status: criteria provided, single submitter. Criteria: Mendelics Assertion Criteria 2017. Collection method: clinical testing. Allele origin: unknown.

GeneDx
Classification: Pathogenic. Last evaluated: 2018-10-19. Review status: criteria provided, single submitter. Criteria: GeneDx Variant Classification (06012015). Collection method: clinical testing. Allele origin: germline. Affected: yes.
Comment: This repeat expansion in the PABPN1 gene has been reported previously in multiple individuals with oculopharyngeal muscular dystrophy (OPMD) (Brais et al., 1998; Robinson et al., 2005). The finding of an expanded allele in the PABPN1 gene is consistent with a diagnosis of oculopharyngeal muscular dystrophy.

NM_004643.3(PABPN1):c.3GGC[11] (p.Ala11_Gly12insAlaAlaAlaAla)

Genes: PABPN1 (poly(A) binding protein nuclear 1; plus strand), BCL2L2-PABPN1 (BCL2L2-PABPN1 readthrough; plus strand). Cytogenetic location: 14q11.2.
Variant type: Microsatellite.
Coding change: c.3GGC[11] on transcript NM_004643.3; 11 copies in a row of the 3-base unit GGC starting at c.3; the reference has seven copies in a row; four copies, 12 bases duplicated; also written c.12_23dup.
Protein change: p.Ala11_Gly12insAlaAlaAlaAla.
Molecular consequence: inframe insertion, initiator codon variant (on NM_004643.4). On other transcripts: intron variant (8).
Genome position (GRCh38, 1-based): chr14:23,321,481-23,321,492, GGCGGCGGCGGC duplicated; duplicating any 12 consecutive bases within chr14:23,321,472-23,321,492 gives the same sequence; the position shown is the placement nearest the transcript's 3' end. VCF-style (leftmost placement, unchanged base first): chr14-23321471-T-TGGCGGCGGCGGC. GRCh37 (hg19) VCF-style: chr14-23790680-T-TGGCGGCGGCGGC.
Other names: c.12_23dup (NM_004643.3); c.12_23dupGGCGGCGGCGGC (NM_004643.3); c.3GGC[11], p.Ala11_Gly12insAlaAlaAlaAla (NM_001360551.3, NM_004643.4); c.529-709GGC[11] (NM_001387343.1, NM_001387342.1, NM_001387344.1 and 1 more transcripts); c.433-709GGC[11] (NM_001387345.1, NM_001387346.1, NM_001199864.3); c.550-709GGC[11] (NM_001387340.1).
Identifiers: ClinVar variation 503634 (VCV000503634.14), dbSNP rs193922941, ClinGen allele CA658798194.